The following is an entry in ClinVar:

NM_024596.5(MCPH1):c.114+2dup

Gene: MCPH1 (microcephalin 1; plus strand). Cytogenetic location: 8p23.1.
Variant type: Duplication.
Coding change: c.114+2dup on transcript NM_024596.5 (MANE Select); the canonical splice donor site of the intron after coding-DNA position 114, one base duplicated (T; older notation c.114+2dupT).
Molecular consequence: splice donor variant.
Genome position (GRCh38, 1-based): chr8:6,409,372, T duplicated. VCF-style (leftmost placement, unchanged base first): chr8-6409371-G-GT. GRCh37 (hg19) VCF-style: chr8-6266892-G-GT.
Other names: c.114+2dup (NM_001322042.2, NM_001363980.2, NM_001363979.1 and 4 more transcripts); c.108+2dup (NM_001322043.2); c.12+2dup (NM_001322045.2); c.114+2dupT (NM_024596.5).
Identifiers: ClinVar variation 4535738 (VCV004535738.1).

ClinVar aggregate classification (germline): Uncertain significance (1 of 4 stars; one submission).

Submission:

Women's Health and Genetics/Laboratory Corporation of America, LabCorp
Classification: Uncertain significance. Last evaluated: 2025-09-05. Review status: criteria provided, single submitter. Criteria: LabCorp Variant Classification Summary - May 2015. Collection method: clinical testing. Allele origin: germline.
Comment: Variant summary: MCPH1 c.114+2dupT alters a non-conserved nucleotide located close to a canonical splice site and therefore could affect mRNA splicing, leading to a significantly altered protein sequence. Several computational tools predict a significant impact on normal splicing: Two predict the variant abolishes a canonical 5' splicing donor site. Two predict the variant weakens a canonical 5' donor site. However, these predictions have yet to be confirmed by functional studies. The variant was absent in 249504 control chromosomes. The available data on variant occurrences in the general population are insufficient to allow any conclusion about variant significance. To our knowledge, no occurrence of c.114+2dupT in individuals affected with MCPH1-related conditions and no experimental evidence demonstrating its impact on protein function have been reported. No submitters have cited clinical-significance assessments for this variant to ClinVar. Based on the evidence outlined above, the variant was classified as uncertain significance.